The following is an entry in ClinVar:

NM_001458.5(FLNC):c.6989G>A (p.Gly2330Asp)

Genes: FLNC-AS1 (FLNC antisense RNA 1; minus strand), FLNC (filamin C; plus strand). Cytogenetic location: 7q32.1.
Variant type: single nucleotide variant.
Coding change: c.6989G>A on transcript NM_001458.5 (MANE Select); coding-DNA position 6989, G replaced by A.
Protein change: p.Gly2330Asp; replaces glycine 2330 with aspartic acid.
Molecular consequence: missense variant.
Genome position (GRCh38, 1-based): chr7:128,854,674, G>A. VCF-style: chr7-128854674-G-A. GRCh37 (hg19) VCF-style: chr7-128494728-G-A.
Other names: c.6890G>A, p.Gly2297Asp (NM_001127487.2); short protein forms G2297D, G2330D.
Identifiers: ClinVar variation 1756447 (VCV001756447.4), dbSNP rs2536665575, ClinGen allele CA369214417.
Genomic context (GRCh38, chr7:128,854,674, plus strand): 5'-GTGAAGGTGGTGCCCACAAGGTGCGGGCCGGAGGCACAGGGCTGGAGCGAGGTGTGGCCG[G>A]CGTGCCAGGTAAGGGGCAGGTGGCCAGGAGTGGGGATGAAGTCAGGGCAGCCAGTGTGAG-3'
Protein context (NP_001449.3, residues 2320-2340): GGTGLERGVA[Gly2330Asp]VPAEFSIWTR

ClinVar aggregate classification (germline): Uncertain significance. Review status: criteria provided, multiple submitters, no conflicts (2 of 4 stars). 2 submissions from 2 submitters: Uncertain significance (2). Last evaluated 2025-01-19.

Conditions:
Cardiovascular phenotype. Identifiers: MedGen CN230736.
Hypertrophic cardiomyopathy 26. Also called: Cardiomyopathy, familial hypertrophic, 26. Identifiers: Orphanet 75249, MedGen C4310749, MONDO:0014883, OMIM 617047.
Distal myopathy with posterior leg and anterior hand involvement. Also called: WILLIAMS DISTAL MYOPATHY. Identifiers: Orphanet 63273, MedGen C3279722, MONDO:0013550, OMIM 614065.
Myofibrillar myopathy 5. Also called: Filaminopathy (type); FILAMINOPATHY, AUTOSOMAL DOMINANT. Identifiers: Orphanet 171445, MedGen C1836050, MONDO:0012289, OMIM 609524.

Submissions (2):

Labcorp Genetics (formerly Invitae), Labcorp
Classification: Uncertain significance for Distal myopathy with posterior leg and anterior hand involvement; Myofibrillar myopathy 5; Hypertrophic cardiomyopathy 26. Last evaluated: 2025-01-19. Review status: criteria provided, single submitter. Criteria: Invitae Variant Classification Sherloc (09022015). Collection method: clinical testing. Allele origin: germline.
Comment: This sequence change replaces glycine, which is neutral and non-polar, with aspartic acid, which is acidic and polar, at codon 2330 of the FLNC protein (p.Gly2330Asp). This variant is not present in population databases (gnomAD no frequency). This variant has not been reported in the literature in individuals affected with FLNC-related conditions. ClinVar contains an entry for this variant (Variation ID: 1756447). Invitae Evidence Modeling of protein sequence and biophysical properties (such as structural, functional, and spatial information, amino acid conservation, physicochemical variation, residue mobility, and thermodynamic stability) indicates that this missense variant is not expected to disrupt FLNC protein function with a negative predictive value of 80%. In summary, the available evidence is currently insufficient to determine the role of this variant in disease. Therefore, it has been classified as a Variant of Uncertain Significance.

Ambry Genetics
Classification: Uncertain significance for Cardiovascular phenotype. Last evaluated: 2020-10-06. Review status: criteria provided, single submitter. Criteria: Ambry Variant Classification Scheme 2023. Collection method: clinical testing. Allele origin: germline.
Comment: The p.G2330D variant (also known as c.6989G>A), located in coding exon 41 of the FLNC gene, results from a G to A substitution at nucleotide position 6989. The glycine at codon 2330 is replaced by aspartic acid, an amino acid with similar properties. This amino acid position is well conserved in available vertebrate species. In addition, this alteration is predicted to be deleterious by in silico analysis. Since supporting evidence is limited at this time, the clinical significance of this alteration remains unclear.